The following is an entry in ClinVar:

NM_017780.4(CHD7):c.3688T>G (p.Ser1230Ala)

Gene: CHD7 (chromodomain helicase DNA binding protein 7; plus strand). Cytogenetic location: 8q12.2.
Variant type: single nucleotide variant.
Coding change: c.3688T>G on transcript NM_017780.4 (MANE Select); coding-DNA position 3688, T replaced by G.
Protein change: p.Ser1230Ala; replaces serine 1230 with alanine.
Molecular consequence: missense variant. On other transcripts: intron variant (1).
Genome position (GRCh38, 1-based): chr8:60,830,487, T>G. VCF-style: chr8-60830487-T-G. GRCh37 (hg19) VCF-style: chr8-61743046-T-G.
Other names: c.1717-31742T>G (NM_001316690.1); short protein forms S1230A.
Identifiers: ClinVar variation 2741265 (VCV002741265.3), dbSNP rs2487854314, ClinGen allele CA371315571.

ClinVar aggregate classification (germline): Uncertain significance (1 of 4 stars; one submission).

Conditions:
CHARGE syndrome (CHARGE). Also called: Hittner Hirsch Kreh syndrome; CHARGE ASSOCIATION--COLOBOMA, HEART ANOMALY, CHOANAL ATRESIA, RETARDATION, GENITAL AND EAR ANOMALIES; Coloboma, heart anomaly, choanal atresia, retardation, genital and ear anomalies; CHARGE association; Hall-Hittner syndrome. Identifiers: Orphanet 138, MedGen C0265354, MONDO:0008965.

Submission:

Labcorp Genetics (formerly Invitae), Labcorp
Classification: Uncertain significance for CHARGE syndrome. Last evaluated: 2023-09-01. Review status: criteria provided, single submitter. Criteria: Invitae Variant Classification Sherloc (09022015). Collection method: clinical testing. Allele origin: germline.
Comment: This variant is not present in population databases (gnomAD no frequency). This sequence change replaces serine, which is neutral and polar, with alanine, which is neutral and non-polar, at codon 1230 of the CHD7 protein (p.Ser1230Ala). This variant has not been reported in the literature in individuals affected with CHD7-related conditions. Advanced modeling of protein sequence and biophysical properties (such as structural, functional, and spatial information, amino acid conservation, physicochemical variation, residue mobility, and thermodynamic stability) performed at Invitae indicates that this missense variant is not expected to disrupt CHD7 protein function. In summary, the available evidence is currently insufficient to determine the role of this variant in disease. Therefore, it has been classified as a Variant of Uncertain Significance.